The following is an entry in ClinVar:

ClinVar aggregate classification (germline): Uncertain significance. Review status: criteria provided, multiple submitters, no conflicts (2 of 4 stars). 3 submissions from 3 submitters: Uncertain significance (3). Last evaluated 2024-11-22.

Conditions:
Catecholaminergic polymorphic ventricular tachycardia 1. Also called: VENTRICULAR TACHYCARDIA, STRESS-INDUCED POLYMORPHIC 1; RYR2-Related Catecholaminergic Polymorphic Ventricular Tachycardia; VENTRICULAR TACHYCARDIA, CATECHOLAMINERGIC POLYMORPHIC, 1, WITH OR WITHOUT ATRIAL DYSFUNCTION AND/OR DILATED CARDIOMYOPATHY. Identifiers: Orphanet 3286, MedGen C1631597, MONDO:0011484, OMIM 604772.

Submissions (3):

GeneDx
Classification: Uncertain significance. Last evaluated: 2024-11-22. Review status: criteria provided, single submitter. Criteria: GeneDx Variant Classification Process June 2021. Collection method: clinical testing. Allele origin: germline. Affected: yes.
Comment: Not observed at significant frequency in large population cohorts (gnomAD); In silico analysis supports that this missense variant has a deleterious effect on protein structure/function; Has not been previously published as pathogenic or benign to our knowledge; Not located in one of the three hot-spot regions of the RYR2 gene, where the majority of pathogenic missense variants occur (PMID: 19926015); This variant is associated with the following publications: (PMID: 19926015)

Labcorp Genetics (formerly Invitae), Labcorp
Classification: Uncertain significance for Catecholaminergic polymorphic ventricular tachycardia 1. Last evaluated: 2024-09-11. Review status: criteria provided, single submitter. Criteria: Invitae Variant Classification Sherloc (09022015). Collection method: clinical testing. Allele origin: germline.
Comment: This sequence change replaces leucine, which is neutral and non-polar, with arginine, which is basic and polar, at codon 1795 of the RYR2 protein (p.Leu1795Arg). This variant is not present in population databases (gnomAD no frequency). This variant has not been reported in the literature in individuals affected with RYR2-related conditions. ClinVar contains an entry for this variant (Variation ID: 2627291). Invitae Evidence Modeling of protein sequence and biophysical properties (such as structural, functional, and spatial information, amino acid conservation, physicochemical variation, residue mobility, and thermodynamic stability) has been performed for this missense variant. However, the output from this modeling did not meet the statistical confidence thresholds required to predict the impact of this variant on RYR2 protein function. In summary, the available evidence is currently insufficient to determine the role of this variant in disease. Therefore, it has been classified as a Variant of Uncertain Significance.

Women's Health and Genetics/Laboratory Corporation of America, LabCorp
Classification: Uncertain significance. Last evaluated: 2023-09-03. Review status: criteria provided, single submitter. Criteria: LabCorp Variant Classification Summary - May 2015. Collection method: clinical testing. Allele origin: germline.

NM_001035.3(RYR2):c.5384T>G (p.Leu1795Arg)

Gene: RYR2 (ryanodine receptor 2; plus strand). Cytogenetic location: 1q43.
Variant type: single nucleotide variant.
Coding change: c.5384T>G on transcript NM_001035.3 (MANE Select); coding-DNA position 5384, T replaced by G.
Protein change: p.Leu1795Arg; replaces leucine 1795 with arginine.
Molecular consequence: missense variant.
Genome position (GRCh38, 1-based): chr1:237,614,512, T>G. VCF-style: chr1-237614512-T-G. GRCh37 (hg19) VCF-style: chr1-237777812-T-G.
Other names: short protein forms L1795R.
Identifiers: ClinVar variation 2627291 (VCV002627291.4), dbSNP rs2546794851, ClinGen allele CA345404920.
Genomic context (GRCh38, chr1:237,614,512, plus strand): 5'-GTTACCAGTACAGTCCAGAGTTCCCACTGGACATCCTCAAGTCCAAAACCATACAGATGC[T>G]GACAGAAGCTGTTAAAGAGGGCAGTCTTCATGCCCGGGACCCAGTTGGAGGGACTACTGA-3'
Protein context (NP_001026.2, residues 1785-1805): DILKSKTIQM[Leu1795Arg]TEAVKEGSLH